The following is an entry in ClinVar:

NM_003000.3(SDHB):c.554A>G (p.Glu185Gly)

Gene: SDHB (succinate dehydrogenase complex iron sulfur subunit B; minus strand). Cytogenetic location: 1p36.13.
Variant type: single nucleotide variant.
Coding change: c.554A>G on transcript NM_003000.3 (MANE Select); coding-DNA position 554, A replaced by G.
Protein change: p.Glu185Gly; replaces glutamic acid 185 with glycine.
Molecular consequence: missense variant.
Genome position (GRCh38, 1-based): chr1:17,024,061, T>C on the plus strand (A>G on the coding strand, the complement: SDHB is on the minus strand). VCF-style: chr1-17024061-T-C. GRCh37 (hg19) VCF-style: chr1-17350556-T-C.
Other names: short protein forms E185G.
Identifiers: ClinVar variation 187655 (VCV000187655.6), dbSNP rs786203899, ClinGen allele CA015963.

ClinVar aggregate classification (germline): Uncertain significance (1 of 4 stars; one submission).

Conditions:
Hereditary cancer-predisposing syndrome. Also called: Neoplastic Syndromes, Hereditary; Hereditary Cancer Syndrome; Tumor predisposition; Hereditary neoplastic syndrome. Identifiers: Orphanet 140162, MedGen C0027672, MeSH D009386, MONDO:0015356.

Submission:

Ambry Genetics
Classification: Uncertain significance for Hereditary cancer-predisposing syndrome. Last evaluated: 2026-07-20. Review status: criteria provided, single submitter. Criteria: Ambry Variant Classification Scheme 2023. Collection method: clinical testing. Allele origin: germline.
Comment: The p.E185G variant (also known as c.554A>G), located in coding exon 6 of the SDHB gene, results from an A to G substitution at nucleotide position 554. The glutamic acid at codon 185 is replaced by glycine, an amino acid with similar properties. This amino acid position is highly conserved in available vertebrate species. In addition, this alteration is predicted to be deleterious by in silico analysis. Based on the available evidence, the clinical significance of this variant remains unclear.